The following is an entry in ClinVar:

ClinVar aggregate classification (germline): Uncertain significance. Review status: criteria provided, multiple submitters, no conflicts (2 of 4 stars). 2 submissions from 2 submitters: Uncertain significance (2). Last evaluated 2020-12-11.

Conditions:
Nemaline myopathy 8 (NEM8). Also called: Nemaline myopathy 8, autosomal recessive. Identifiers: Orphanet 171430, MedGen C3809209, MONDO:0014138, OMIM 615348.

Allele frequency attached by ClinVar (database versions not stated): gnomAD 0.00001 and 0.00002; gnomAD exomes 0.00001; ExAC 0.00002; ESP Exome Variant Server 0.00008.

Submissions (2):

Labcorp Genetics (formerly Invitae), Labcorp
Classification: Uncertain significance for Nemaline myopathy 8. Last evaluated: 2020-12-11. Review status: criteria provided, single submitter. Criteria: Invitae Variant Classification Sherloc (09022015). Collection method: clinical testing. Allele origin: germline.
Comment: This variant has not been reported in the literature in individuals with KLHL40-related conditions. This variant is present in population databases (rs374038735, ExAC 0.003%). This sequence change replaces aspartic acid with histidine at codon 144 of the KLHL40 protein (p.Asp144His). The aspartic acid residue is highly conserved and there is a moderate physicochemical difference between aspartic acid and histidine. Algorithms developed to predict the effect of missense changes on protein structure and function (SIFT, PolyPhen-2, Align-GVGD) all suggest that this variant is likely to be disruptive, but these predictions have not been confirmed by published functional studies and their clinical significance is uncertain. In summary, the available evidence is currently insufficient to determine the role of this variant in disease. Therefore, it has been classified as a Variant of Uncertain Significance.

GeneDx
Classification: Uncertain significance. Last evaluated: 2019-04-02. Review status: criteria provided, single submitter. Criteria: GeneDx Variant Classification Process June 2021. Collection method: clinical testing. Allele origin: germline. Affected: yes.
Comment: Not observed at a significant frequency in large population cohorts (Lek et al., 2016); The majority of missense variants in this gene are considered pathogenic (Stenson et al., 2014); In silico analysis, which includes protein predictors and evolutionary conservation, supports a deleterious effect; Has not been previously published as pathogenic or benign to our knowledge

NM_152393.4(KLHL40):c.430G>C (p.Asp144His)

Gene: KLHL40 (kelch like family member 40; plus strand). Cytogenetic location: 3p22.1.
Variant type: single nucleotide variant.
Coding change: c.430G>C on transcript NM_152393.4 (MANE Select); coding-DNA position 430, G replaced by C.
Protein change: p.Asp144His; replaces aspartic acid 144 with histidine.
Molecular consequence: missense variant.
Genome position (GRCh38, 1-based): chr3:42,686,048, G>C. VCF-style: chr3-42686048-G-C. GRCh37 (hg19) VCF-style: chr3-42727540-G-C.
Other names: short protein forms D144H.
Identifiers: ClinVar variation 1308357 (VCV001308357.9), dbSNP rs374038735, ClinGen allele CA2336650.